The following is an entry in ClinVar:

ClinVar aggregate classification (germline): Pathogenic (1 of 4 stars; one submission).

Conditions:
ALG1-congenital disorder of glycosylation. Also called: CONGENITAL DISORDER OF GLYCOSYLATION, TYPE Ik; CDG Ik; ALG1-CDG. Identifiers: Orphanet 79327, MedGen C2931005, MONDO:0012052, OMIM 608540.

Submission:

Labcorp Genetics (formerly Invitae), Labcorp
Classification: Pathogenic for ALG1-congenital disorder of glycosylation. Last evaluated: 2022-11-28. Review status: criteria provided, single submitter. Criteria: Invitae Variant Classification Sherloc (09022015). Collection method: clinical testing. Allele origin: germline.
Comment: This sequence change creates a premature translational stop signal (p.Ser4*) in the ALG1 gene. It is expected to result in an absent or disrupted protein product. Loss-of-function variants in ALG1 are known to be pathogenic (PMID: 20679665, 23806237). This variant is not present in population databases (gnomAD no frequency). This variant has not been reported in the literature in individuals affected with ALG1-related conditions. For these reasons, this variant has been classified as Pathogenic.

Literature cited by the submitters: PubMed 20679665; PubMed 23806237.

NM_019109.5(ALG1):c.11C>A (p.Ser4Ter)

Gene: ALG1 (ALG1 chitobiosyldiphosphodolichol beta-mannosyltransferase; plus strand). Cytogenetic location: 16p13.3.
Variant type: single nucleotide variant.
Coding change: c.11C>A on transcript NM_019109.5 (MANE Select); coding-DNA position 11, C replaced by A.
Protein change: p.Ser4Ter; replaces serine 4 with a stop codon.
Molecular consequence: nonsense.
Genome position (GRCh38, 1-based): chr16:5,071,860, C>A. VCF-style: chr16-5071860-C-A. GRCh37 (hg19) VCF-style: chr16-5121861-C-A.
Other names: short protein forms S4*.
Identifiers: ClinVar variation 2816535 (VCV002816535.3), dbSNP rs2505844602, ClinGen allele CA394678415.